The following is an entry in ClinVar:

ClinVar aggregate classification (germline): Uncertain significance (1 of 4 stars; one submission).

Conditions:
Fanconi anemia complementation group E (FANCE). Also called: FANCE-Related Fanconi Anemia. Identifiers: Orphanet 84, MedGen C3160739, MONDO:0010953, OMIM 600901.

Allele frequency attached by ClinVar (database versions not stated): ExAC 0.00001; gnomAD exomes 0.00001.
gnomAD v4.1: 3 of 1,614,174 alleles (0.00019%); highest among the groups gnomAD compares: Admixed American, 0.005%; no homozygotes.

Submission:

Labcorp Genetics (formerly Invitae), Labcorp
Classification: Uncertain significance for Fanconi anemia complementation group E. Last evaluated: 2021-12-01. Review status: criteria provided, single submitter. Criteria: Invitae Variant Classification Sherloc (09022015). Collection method: clinical testing. Allele origin: germline.
Comment: This sequence change replaces glycine, which is neutral and non-polar, with alanine, which is neutral and non-polar, at codon 113 of the FANCE protein (p.Gly113Ala). This variant is present in population databases (rs780304950, gnomAD 0.009%). This variant has not been reported in the literature in individuals affected with FANCE-related conditions. Algorithms developed to predict the effect of missense changes on protein structure and function (SIFT, PolyPhen-2, Align-GVGD) all suggest that this variant is likely to be tolerated. In summary, the available evidence is currently insufficient to determine the role of this variant in disease. Therefore, it has been classified as a Variant of Uncertain Significance.

NM_021922.3(FANCE):c.338G>C (p.Gly113Ala)

Gene: FANCE (FA complementation group E; plus strand). Cytogenetic location: 6p21.31.
Variant type: single nucleotide variant.
Coding change: c.338G>C on transcript NM_021922.3 (MANE Select); coding-DNA position 338, G replaced by C.
Protein change: p.Gly113Ala; replaces glycine 113 with alanine.
Molecular consequence: missense variant.
Genome position (GRCh38, 1-based): chr6:35,455,836, G>C. VCF-style: chr6-35455836-G-C. GRCh37 (hg19) VCF-style: chr6-35423613-G-C.
Other names: short protein forms G113A.
Identifiers: ClinVar variation 1442887 (VCV001442887.6), dbSNP rs780304950, ClinGen allele CA3771391.
Genomic context (GRCh38, chr6:35,455,836, plus strand): 5'-TATGCCAGAGGAACCTGATGTCCCTGCTGATGGCCGTTCGGCCATCGCTGCCGGAAAGTG[G>C]GCTCCTCTCTGTGCTGCAGATTGCCCAGCAGGACCTAGCCCCTGACCCAGATGCCTGGCT-3'
Protein context (NP_068741.1, residues 103-123): MAVRPSLPES[Gly113Ala]LLSVLQIAQQ